The following is an entry in ClinVar:

NM_033419.5(PGAP3):c.606C>G (p.Leu202=)

Gene: PGAP3 (post-GPI attachment to proteins phospholipase 3; minus strand). Cytogenetic location: 17q12.
Variant type: single nucleotide variant.
Coding change: c.606C>G on transcript NM_033419.5 (MANE Select); coding-DNA position 606, C replaced by G.
Protein change: p.Leu202=; no amino-acid change (leucine 202 retained).
Molecular consequence: synonymous variant. On other transcripts: intron variant (3).
Genome position (GRCh38, 1-based): chr17:39,673,602, G>C on the plus strand (C>G on the coding strand, the complement: PGAP3 is on the minus strand). VCF-style: chr17-39673602-G-C. GRCh37 (hg19) VCF-style: chr17-37829855-G-C.
Other names: c.453C>G, p.Leu151= (NM_001291726.2); c.543C>G, p.Leu181= (NM_001291728.2); c.433-736C>G (NM_001291733.2); c.494+391C>G (NM_001291732.2); c.557+391C>G (NM_001291730.2); c.606C>G (NM_033419.4).
Identifiers: ClinVar variation 2066075 (VCV002066075.7), dbSNP rs150962735, ClinGen allele CA8533295.

ClinVar aggregate classification (germline): Likely benign. Review status: criteria provided, multiple submitters, no conflicts (2 of 4 stars). 3 submissions from 3 submitters: Likely benign (2). 1 of the submissions does not count toward it. Last evaluated 2026-09-01.

Conditions:
PGAP3-related disorder. Also called: PGAP3-related condition.

Allele frequency attached by ClinVar (database versions not stated): ExAC 0.00007; gnomAD 0.00008; 1000 Genomes Project 30x 0.00031; ESP Exome Variant Server 0.00015; 1000 Genomes Project 0.00020.

Submissions (3):

CeGaT Center for Human Genetics Tuebingen
Classification: Likely benign. Last evaluated: 2026-09-01. Review status: criteria provided, single submitter. Criteria: CeGaT Center For Human Genetics Tuebingen Variant Classification Criteria Version 2. Collection method: clinical testing. Allele origin: germline. Affected: yes. Observed: 1 variant allele.
Comment: PGAP3: BP4, BP7

Labcorp Genetics (formerly Invitae), Labcorp
Classification: Likely benign. Last evaluated: 2025-03-27. Review status: criteria provided, single submitter. Criteria: Invitae Variant Classification Sherloc (09022015). Collection method: clinical testing. Allele origin: germline.

PreventionGenetics, part of Exact Sciences
Classification: Likely benign for PGAP3-related condition. Last evaluated: 2019-04-02. Review status: no assertion criteria provided. Collection method: clinical testing. Allele origin: germline. Not counted in ClinVar's aggregate classification.
Comment: This variant is classified as likely benign based on ACMG/AMP sequence variant interpretation guidelines (Richards et al. 2015 PMID: 25741868, with internal and published modifications).